The following is an entry in ClinVar:

ClinVar aggregate classification (germline): Pathogenic (1 of 4 stars; one submission).

Conditions:
Spastic paraplegia. Identifiers: MedGen C0037772, HP:0001258.

Submission:

Labcorp Genetics (formerly Invitae), Labcorp
Classification: Pathogenic for Spastic paraplegia. Last evaluated: 2023-06-07. Review status: criteria provided, single submitter. Criteria: Invitae Variant Classification Sherloc (09022015). Collection method: clinical testing. Allele origin: germline.
Comment: For these reasons, this variant has been classified as Pathogenic. This variant disrupts a region of the SACS protein in which other variant(s) (p.Asn4549Asp) have been determined to be pathogenic (PMID: 15156359, 21507954). This suggests that this is a clinically significant region of the protein, and that variants that disrupt it are likely to be disease-causing. This variant has not been reported in the literature in individuals affected with SACS-related conditions. This variant is not present in population databases (gnomAD no frequency). This sequence change creates a premature translational stop signal (p.Lys4020*) in the SACS gene. While this is not anticipated to result in nonsense mediated decay, it is expected to disrupt the last 560 amino acid(s) of the SACS protein.

Literature cited by the submitters: PubMed 15156359; PubMed 21507954.

NM_014363.6(SACS):c.12058A>T (p.Lys4020Ter)

Gene: SACS (sacsin molecular chaperone; minus strand). Cytogenetic location: 13q12.12.
Variant type: single nucleotide variant.
Coding change: c.12058A>T on transcript NM_014363.6 (MANE Select); coding-DNA position 12058, A replaced by T.
Protein change: p.Lys4020Ter; replaces lysine 4020 with a stop codon.
Molecular consequence: nonsense.
Genome position (GRCh38, 1-based): chr13:23,331,818, T>A on the plus strand (A>T on the coding strand, the complement: SACS is on the minus strand). VCF-style: chr13-23331818-T-A. GRCh37 (hg19) VCF-style: chr13-23905957-T-A.
Other names: c.11617A>T, p.Lys3873Ter (NM_001278055.2); short protein forms K4020*, K3873*.
Identifiers: ClinVar variation 2755669 (VCV002755669.3), dbSNP rs2542160376, ClinGen allele CA387508592.